The following is an entry in ClinVar:

ClinVar aggregate classification (germline): Benign. Review status: criteria provided, multiple submitters, no conflicts (2 of 4 stars). 2 submissions from 2 submitters: Benign (2). Last evaluated 2018-06-15.

Allele frequency attached by ClinVar (database versions not stated): TOPMed 0.22059; 1000 Genomes Project 0.24581; 1000 Genomes Project 30x 0.24875.
gnomAD v4.1: 247,182 of 1,314,190 alleles (19%); highest among the groups gnomAD compares: African/African-American, 33%; 25,512 homozygotes.

Submissions (2):

GeneDx
Classification: Benign. Last evaluated: 2018-06-15. Review status: criteria provided, single submitter. Criteria: GeneDx Variant Classification (06012015). Collection method: clinical testing. Allele origin: germline. Affected: yes.
Comment: This variant is considered likely benign or benign based on one or more of the following criteria: it is a conservative change, it occurs at a poorly conserved position in the protein, it is predicted to be benign by multiple in silico algorithms, and/or has population frequency not consistent with disease.

Breakthrough Genomics
Classification: Benign. Review status: criteria provided, single submitter. Criteria: ACMG Guidelines, 2015. Collection method: not provided. Allele origin: germline. Inheritance: Autosomal recessive inheritance. Affected: yes.

NM_020297.4(ABCC9):c.3892+102G>A

Genes: ABCC9 (ATP binding cassette subfamily C member 9; minus strand), KCNJ8-AS1 (KCNJ8 antisense RNA 1; plus strand). Cytogenetic location: 12p12.1.
Variant type: single nucleotide variant.
Coding change: c.3892+102G>A on transcript NM_020297.4 (MANE Select); 102 bases into the intron after coding-DNA position 3892, G replaced by A.
Molecular consequence: intron variant.
Genome position (GRCh38, 1-based): chr12:21,817,085, C>T on the plus strand (G>A on the coding strand, the complement: ABCC9 is on the minus strand). VCF-style: chr12-21817085-C-T. GRCh37 (hg19) VCF-style: chr12-21970019-C-T.
Other names: c.3025+102G>A (NM_001377274.1); c.3892+102G>A (NM_005691.4, NM_001377273.1).
Identifiers: ClinVar variation 673827 (VCV000673827.2), dbSNP rs2638441, ClinGen allele CA13734407.
Genomic context (GRCh38, chr12:21,817,085, plus strand): 5'-CACATCTTTTCCGGTGTACATAATCAAGCAAAGCCAAGATATGAGAGAGTTTTCTGGATA[C>T]TGAAGTGGAAAGCAAAAGCAGAAACAACAATGTGCCCAACAAACACTAATATTTGTTTAA-3'